The following is an entry in ClinVar:

ClinVar aggregate classification (germline): Likely benign (0 of 4 stars; one submission).

Conditions:
SLC16A12-related disorder. Also called: SLC16A12-related condition.

Allele frequency attached by ClinVar (database versions not stated): ExAC 0.00009; gnomAD 0.00017; TOPMed 0.00019; gnomAD exomes 0.00021; ESP Exome Variant Server 0.00046.
gnomAD v4.1: 337 of 1,613,718 alleles (0.021%); highest among the groups gnomAD compares: Middle Eastern, 0.033%; 1 homozygote.

Submission:

PreventionGenetics, part of Exact Sciences
Classification: Likely benign for SLC16A12-related condition. Last evaluated: 2019-09-06. Review status: no assertion criteria provided. Collection method: clinical testing. Allele origin: germline.
Comment: This variant is classified as likely benign based on ACMG/AMP sequence variant interpretation guidelines (Richards et al. 2015 PMID: 25741868, with internal and published modifications).

NM_213606.4(SLC16A12):c.252C>T (p.Tyr84=)

Gene: SLC16A12 (solute carrier family 16 member 12; minus strand). Cytogenetic location: 10q23.31.
Variant type: single nucleotide variant.
Coding change: c.252C>T on transcript NM_213606.4 (MANE Select); coding-DNA position 252, C replaced by T.
Protein change: p.Tyr84=; no amino-acid change (tyrosine 84 retained).
Molecular consequence: synonymous variant.
Genome position (GRCh38, 1-based): chr10:89,443,808, G>A on the plus strand (C>T on the coding strand, the complement: SLC16A12 is on the minus strand). VCF-style: chr10-89443808-G-A. GRCh37 (hg19) VCF-style: chr10-91203565-G-A.
Identifiers: ClinVar variation 3040349 (VCV003040349.2), dbSNP rs139176300, ClinGen allele CA5595569.